The following is an entry in ClinVar:

ClinVar aggregate classification (germline): Uncertain significance (1 of 4 stars; one submission).

Conditions:
Cardiovascular phenotype. Identifiers: MedGen CN230736.
Hereditary cancer-predisposing syndrome. Also called: Tumor predisposition; Neoplastic Syndromes, Hereditary; Hereditary Cancer Syndrome; Hereditary neoplastic syndrome. Identifiers: Orphanet 140162, MedGen C0027672, MeSH D009386, MONDO:0015356.

Submission:

Ambry Genetics
Classification: Uncertain significance for Cardiovascular phenotype; Hereditary cancer-predisposing syndrome. Last evaluated: 2025-02-26. Review status: criteria provided, single submitter. Criteria: Ambry Variant Classification Scheme 2023. Collection method: clinical testing. Allele origin: germline.
Comment: The p.E1327Q variant (also known as c.3979G>C), located in coding exon 30 of the NF1 gene, results from a G to C substitution at nucleotide position 3979. The glutamic acid at codon 1327 is replaced by glutamine, an amino acid with highly similar properties. This amino acid position is conserved. In addition, the in silico prediction for this alteration is inconclusive. Based on the available evidence, the clinical significance of this variant remains unclear.

NM_001042492.3(NF1):c.3979G>C (p.Glu1327Gln)

Gene: NF1 (neurofibromin 1; plus strand). Cytogenetic location: 17q11.2.
Variant type: single nucleotide variant.
Coding change: c.3979G>C on transcript NM_001042492.3 (MANE Select); coding-DNA position 3979, G replaced by C.
Protein change: p.Glu1327Gln; replaces glutamic acid 1327 with glutamine.
Molecular consequence: missense variant.
Genome position (GRCh38, 1-based): chr17:31,248,988, G>C. VCF-style: chr17-31248988-G-C. GRCh37 (hg19) VCF-style: chr17-29576006-G-C.
Other names: c.3979G>C, p.Glu1327Gln (NM_000267.4); short protein forms E1327Q.
Identifiers: ClinVar variation 3879133 (VCV003879133.1).